The following is an entry in ClinVar:

ClinVar aggregate classification (germline): Pathogenic (1 of 4 stars; one submission).

Conditions:
Multiple congenital exostosis (EXT). Also called: Hereditary multiple exostoses; Hereditary multiple exostosis; MULTIPLE CARTILAGINOUS EXOSTOSES; Multiple exostoses; Hereditary multiple osteochondromas; Multiple osteochondromas. Identifiers: Orphanet 321, MedGen C0015306, MONDO:0005508, HP:0002762.

Submission:

Labcorp Genetics (formerly Invitae), Labcorp
Classification: Pathogenic for Multiple congenital exostosis. Last evaluated: 2020-07-27. Review status: criteria provided, single submitter. Criteria: Invitae Variant Classification Sherloc (09022015). Collection method: clinical testing. Allele origin: germline.
Comment: This sequence change creates a premature translational stop signal (p.Tyr616Thrfs*5) in the EXT1 gene. It is expected to result in an absent or disrupted protein product. This variant is not present in population databases (ExAC no frequency). This variant has not been reported in the literature in individuals with EXT1-related conditions. Loss-of-function variants in EXT1 are known to be pathogenic (PMID: 10679937, 11391482, 19810120). For these reasons, this variant has been classified as Pathogenic.

Literature cited by the submitters: PubMed 10679937; PubMed 11391482; PubMed 19810120.

NM_000127.3(EXT1):c.1845del (p.Tyr616fs)

Gene: EXT1 (exostosin glycosyltransferase 1; minus strand). Cytogenetic location: 8q24.11.
Variant type: Deletion.
Coding change: c.1845del on transcript NM_000127.3 (MANE Select); coding-DNA position 1845, one base deleted (C; older notation c.1845delC).
Protein change: p.Tyr616fs; shifts the reading frame from tyrosine 616.
Molecular consequence: frameshift variant.
Genome position (GRCh38, 1-based): chr8:117,807,255, G deleted on the plus strand (C on the coding strand, the reverse complement: EXT1 is on the minus strand). VCF-style (leftmost placement, unchanged base first): chr8-117807254-AG-A. GRCh37 (hg19) VCF-style: chr8-118819493-AG-A.
Other names: short protein forms Y616fs.
Identifiers: ClinVar variation 1068706 (VCV001068706.7), dbSNP rs2129701119, ClinGen allele CA2499219116.
Genomic context (GRCh38, chr8:117,807,254, plus strand): 5'-AGAGACATGTCCAGATTCCTCACTTGTGGTAAATAGCAGCTCCTGTCAACACCATGGAGT[AG>A]TCGTTCGTCCACTTTGATGTGTATCCCCACCGCTCCTTAGAGTTATCCCAGAAGTGGCTG-3'